The following is an entry in ClinVar:

NM_032601.4(MCEE):c.312T>G (p.Arg104=)

Gene: MCEE (methylmalonyl-CoA epimerase; minus strand). Cytogenetic location: 2p13.3.
Variant type: single nucleotide variant.
Coding change: c.312T>G on transcript NM_032601.4 (MANE Select); coding-DNA position 312, T replaced by G.
Protein change: p.Arg104=; no amino-acid change (arginine 104 retained).
Molecular consequence: synonymous variant.
Genome position (GRCh38, 1-based): chr2:71,124,272, A>C on the plus strand (T>G on the coding strand, the complement: MCEE is on the minus strand). VCF-style: chr2-71124272-A-C. GRCh37 (hg19) VCF-style: chr2-71351402-A-C.
Identifiers: ClinVar variation 336938 (VCV000336938.13), dbSNP rs142838031, ClinGen allele CA1702605.

ClinVar aggregate classification (germline): Conflicting classifications of pathogenicity. Review status: criteria provided, conflicting classifications (1 of 4 stars). 4 submissions from 4 submitters: Uncertain significance (1); Benign (1); Likely benign (2). Last evaluated 2026-01-31.

Conditions:
MCEE-related disorder. Also called: MCEE-related condition.
Methylmalonic acidemia due to methylmalonyl-CoA epimerase deficiency. Also called: Methylmalonyl-CoA Epimerase Deficiency; METHYLMALONIC ACIDURIA III; METHYLMALONYL-CoA RACEMASE DEFICIENCY. Identifiers: Orphanet 308425, MedGen C1855100, MONDO:0009615, OMIM 251120.

Allele frequency attached by ClinVar (database versions not stated): gnomAD exomes 0.00005 and 0.00019; ExAC 0.00022; gnomAD 0.00054 and 0.00058; 1000 Genomes Project 0.00060; 1000 Genomes Project 30x 0.00062; ESP Exome Variant Server 0.00069; TOPMed 0.00069.
gnomAD v4.1: 158 of 1,614,168 alleles (0.0098%); highest among the groups gnomAD compares: African/African-American, 0.19%; no homozygotes.

Submissions (4):

Labcorp Genetics (formerly Invitae), Labcorp
Classification: Benign for Methylmalonic acidemia due to methylmalonyl-CoA epimerase deficiency. Last evaluated: 2026-01-31. Review status: criteria provided, single submitter. Criteria: Invitae Variant Classification Sherloc (09022015). Collection method: clinical testing. Allele origin: germline.

PreventionGenetics, part of Exact Sciences
Classification: Likely benign for MCEE-related condition. Last evaluated: 2025-05-02. Review status: criteria provided, single submitter. Criteria: ACMG Guidelines, 2015. Collection method: clinical testing. Allele origin: germline.
Comment: This variant is classified as likely benign based on ACMG/AMP sequence variant interpretation guidelines (Richards et al. 2015 PMID: 25741868, with internal and published modifications).

Illumina Laboratory Services, Illumina
Classification: Uncertain significance for Methylmalonic acidemia due to methylmalonyl-CoA epimerase deficiency. Last evaluated: 2018-01-12. Review status: criteria provided, single submitter. Criteria: ICSL Variant Classification Criteria 13 December 2019. Collection method: clinical testing. Allele origin: germline.

GeneDx
Classification: Likely benign. Last evaluated: 2018-01-05. Review status: criteria provided, single submitter. Criteria: GeneDx Variant Classification (06012015). Collection method: clinical testing. Allele origin: germline. Affected: yes.
Comment: This variant is considered likely benign or benign based on one or more of the following criteria: it is a conservative change, it occurs at a poorly conserved position in the protein, it is predicted to be benign by multiple in silico algorithms, and/or has population frequency not consistent with disease.